The following is an entry in ClinVar:

ClinVar aggregate classification (germline): Conflicting classifications of pathogenicity. Review status: criteria provided, conflicting classifications (1 of 4 stars). 12 submissions from 11 submitters: Uncertain significance (3); Benign (1); Likely benign (7). 1 of the submissions does not count toward it. Last evaluated 2026-05-13.

Conditions:
Hereditary cancer-predisposing syndrome. Also called: Tumor predisposition; Neoplastic Syndromes, Hereditary; Hereditary Cancer Syndrome; Hereditary neoplastic syndrome. Identifiers: Orphanet 140162, MedGen C0027672, MeSH D009386, MONDO:0015356.
Cardiovascular phenotype. Identifiers: MedGen CN230736.
NF1-related disorder. Also called: NF1-related condition. Identifiers: MedGen CN379171.
Neurofibromatosis, type 1 (NF1). Also called: Peripheral type neurofibromatosis; Neurofibromatosis, type I; NEUROFIBROMATOSIS, TYPE I, SOMATIC; VON RECKLINGHAUSEN DISEASE. Identifiers: Orphanet 636, MedGen C0027831, MONDO:0018975, OMIM 162200. Disease mechanism: loss of function.

Allele frequency attached by ClinVar (database versions not stated): gnomAD exomes 0.00001 and 0.00002; ExAC 0.00002; gnomAD 0.00007 and 0.00009; TOPMed 0.00009; ESP Exome Variant Server 0.00015; 1000 Genomes Project 30x 0.00016; 1000 Genomes Project 0.00020.
gnomAD v4.1: 36 of 1,613,230 alleles (0.0022%); highest among the groups gnomAD compares: Middle Eastern, 0.05%; no homozygotes.

Submissions (12):

Myriad Genetics, Inc.
Classification: Likely benign for Neurofibromatosis, type 1. Last evaluated: 2026-05-13. Review status: criteria provided, single submitter. Criteria: Myriad Autosomal Dominant, Autosomal Recessive and X-Linked Classification Criteria (2023). Collection method: clinical testing. Allele origin: unknown.
Comment: This variant is considered likely benign. This variant is intronic and is not expected to impact mRNA splicing.

Ambry Genetics
Classification: Benign for Cardiovascular phenotype; Hereditary cancer-predisposing syndrome. Last evaluated: 2026-05-10. Review status: criteria provided, single submitter. Criteria: Ambry Variant Classification Scheme 2023. Collection method: clinical testing. Allele origin: germline.

Labcorp Genetics (formerly Invitae), Labcorp
Classification: Likely benign for Neurofibromatosis, type 1. Last evaluated: 2026-01-28. Review status: criteria provided, single submitter. Criteria: Invitae Variant Classification Sherloc (09022015). Collection method: clinical testing. Allele origin: germline.

Institute for Biomarker Research, Medical Diagnostic Laboratories, L.L.C.
Classification: Likely benign for Hereditary cancer-predisposing syndrome. Last evaluated: 2025-08-27. Review status: criteria provided, single submitter. Criteria: ACMG Guidelines, 2015. Collection method: clinical testing. Allele origin: germline.
Comment: The splice region variant NM_000267.3(NF1):c.4773-3T>C has not been reported previously as a pathogenic variant, to our knowledge. The c.4773-3T>C variant is not predicted to disrupt the existing acceptor splice site 1bp upstream by any splice site algorithm. The c.4773-3T>C variant results in a substitution of a base that is not predicted conserved by GERP++ and PhyloP. For these reasons, this variant has been classified as Likely Benign.

CeGaT Center for Human Genetics Tuebingen
Classification: Likely benign. Last evaluated: 2024-11-01. Review status: criteria provided, single submitter. Criteria: CeGaT Center For Human Genetics Tuebingen Variant Classification Criteria Version 2. Collection method: clinical testing. Allele origin: germline. Affected: yes. Observed: 1 variant allele.
Comment: NF1: BP4

Department of Pathology and Laboratory Medicine, Sinai Health System
Classification: Uncertain significance for neurofibromatosis type 1. Last evaluated: 2023-08-18. Review status: criteria provided, single submitter. Criteria: ACMG Guidelines, 2015. Collection method: clinical testing. Allele origin: germline. Affected: yes.

Blueprint Genetics
Classification: Likely benign. Last evaluated: 2021-06-30. Review status: criteria provided, single submitter. Criteria: ACMG Guidelines, 2015. Collection method: clinical testing. Allele origin: germline.

Sema4
Classification: Likely benign for Hereditary cancer-predisposing syndrome. Last evaluated: 2021-05-17. Review status: criteria provided, single submitter. Criteria: Sema4 Curation Guidelines. Collection method: curation. Allele origin: germline.

GeneDx
Classification: Likely benign. Last evaluated: 2018-11-24. Review status: criteria provided, single submitter. Criteria: GeneDx Variant Classification Process June 2021. Collection method: clinical testing. Allele origin: germline. Affected: yes.
Comment: This variant is associated with the following publications: (PMID: 32359129)

ARUP Laboratories, Molecular Genetics and Genomics, ARUP Laboratories
Classification: Uncertain significance. Last evaluated: 2016-12-07. Review status: criteria provided, single submitter. Criteria: ARUP Molecular Germline Variant Investigation Process. Collection method: clinical testing. Allele origin: germline.

Ambry Genetics
Classification: Uncertain significance for Hereditary cancer-predisposing syndrome. Last evaluated: 2015-07-17. Review status: criteria provided, single submitter. Criteria: Ambry Autosomal Dominant and X-Linked criteria (10/2015). Collection method: clinical testing. Allele origin: germline. Observed: 1 variant allele.
Comment: The c.4836-3T>C intronic variant results from a T to C substitution 3 nucleotides upstream from coding exon 37 in the NF1 gene. This variant was previously reported in the SNPDatabase as rs372460369. Based on data from the NHLBI Exome Sequencing Project (ESP), the C allele has an overall frequency of approximately 0.02% (2/13006) total alleles studied, having been observed in 0.05% (2/4406) African American alleles. To date, this alteration has been detected with an allele frequency of approximately 0.01% (greater than 55000 alleles tested) in our clinical cohort (includes this individual). This nucleotide position is well conserved in higher available vertebrate species. Using the BDGP and ESEfinder splice site prediction tools, this alteration is not predicted to have any significant effect on the native splice acceptor site; however, direct evidence is unavailable. Since supporting evidence is limited at this time, the clinical significance of c.4836-3T>C remains unclear.

PreventionGenetics, part of Exact Sciences
Classification: Likely benign for NF1-related condition. Last evaluated: 2019-12-30. Review status: no assertion criteria provided. Collection method: clinical testing. Allele origin: germline. Not counted in ClinVar's aggregate classification.
Comment: This variant is classified as likely benign based on ACMG/AMP sequence variant interpretation guidelines (Richards et al. 2015 PMID: 25741868, with internal and published modifications).

Literature cited by the submitters: PubMed 32359129 (cited by Department of Pathology and Laboratory Medicine, Sinai Health System and Sema4).

NM_001042492.3(NF1):c.4836-3T>C

Gene: NF1 (neurofibromin 1; plus strand). Cytogenetic location: 17q11.2.
Variant type: single nucleotide variant.
Coding change: c.4836-3T>C on transcript NM_001042492.3 (MANE Select); 3 bases into the intron before coding-DNA position 4836, T replaced by C.
Molecular consequence: intron variant.
Genome position (GRCh38, 1-based): chr17:31,325,817, T>C. VCF-style: chr17-31325817-T-C. GRCh37 (hg19) VCF-style: chr17-29652835-T-C.
Other names: c.4773-3T>C (NM_000267.4).
Identifiers: ClinVar variation 184766 (VCV000184766.42), dbSNP rs372460369, ClinGen allele CA189993.